The following is an entry in ClinVar:

ClinVar aggregate classification (germline): Pathogenic (1 of 4 stars; one submission).

Submission:

Labcorp Genetics (formerly Invitae), Labcorp
Classification: Pathogenic. Last evaluated: 2025-05-26. Review status: criteria provided, single submitter. Criteria: Invitae Variant Classification Sherloc (09022015). Collection method: clinical testing. Allele origin: germline.
Comment: This sequence change creates a premature translational stop signal (p.Pro760Glnfs*14) in the ANK1 gene. It is expected to result in an absent or disrupted protein product. Loss-of-function variants in ANK1 are known to be pathogenic (PMID: 8640229). This variant is not present in population databases (gnomAD no frequency). This variant has not been reported in the literature in individuals affected with ANK1-related conditions. For these reasons, this variant has been classified as Pathogenic.

Literature cited by the submitters: PubMed 8640229.

NM_000037.4(ANK1):c.2279del (p.Pro760fs)

Gene: ANK1 (ankyrin 1; minus strand). Cytogenetic location: 8p11.21.
Variant type: Deletion.
Coding change: c.2279del on transcript NM_000037.4 (MANE Select); coding-DNA position 2279, one base deleted (C; older notation c.2279delC).
Protein change: p.Pro760fs; shifts the reading frame from proline 760.
Molecular consequence: frameshift variant.
Genome position (GRCh38, 1-based): chr8:41,704,057, G deleted on the plus strand (C on the coding strand, the reverse complement: ANK1 is on the minus strand); the first of 4 consecutive G bases (chr8:41,704,057-41,704,060); deleting any one gives the same sequence. VCF-style (leftmost placement, unchanged base first): chr8-41704056-TG-T. GRCh37 (hg19) VCF-style: chr8-41561574-TG-T.
Other names: c.2378del, p.Pro793fs (NM_001142446.2); c.2279del, p.Pro760fs (NM_020475.3, NM_020476.3, NM_020477.3); short protein forms P760fs, P793fs.
Identifiers: ClinVar variation 4720300 (VCV004720300.1).